The following is an entry in ClinVar:

NM_000214.3(JAG1):c.3651C>T (p.Ile1217=)

Gene: JAG1 (jagged canonical Notch ligand 1; minus strand). Cytogenetic location: 20p12.2.
Variant type: single nucleotide variant.
Coding change: c.3651C>T on transcript NM_000214.3 (MANE Select); coding-DNA position 3651, C replaced by T.
Protein change: p.Ile1217=; no amino-acid change (isoleucine 1217 retained).
Molecular consequence: synonymous variant.
Genome position (GRCh38, 1-based): chr20:10,639,504, G>A on the plus strand (C>T on the coding strand, the complement: JAG1 is on the minus strand). VCF-style: chr20-10639504-G-A. GRCh37 (hg19) VCF-style: chr20-10620152-G-A.
Other names: c.3651C>T, p.Ile1217= (LRG_1191t1).
Identifiers: ClinVar variation 289034 (VCV000289034.21), dbSNP rs542831744, ClinGen allele CA9764166.

ClinVar aggregate classification (germline): Conflicting classifications of pathogenicity. Review status: criteria provided, conflicting classifications (1 of 4 stars). 5 submissions from 5 submitters: Uncertain significance (1); Benign (1); Likely benign (3). Last evaluated 2025-06-01.

Conditions:
Cardiovascular phenotype. Identifiers: MedGen CN230736.
Isolated Nonsyndromic Congenital Heart Disease.
Alagille syndrome due to a JAG1 point mutation. Also called: HEPATIC DUCTULAR HYPOPLASIA, SYNDROMATIC; JAG1-Related Alagille Syndrome; Alagille Syndrome 1. Identifiers: Orphanet 261619, Orphanet 52, MedGen C1956125, MONDO:0016862, OMIM 118450.

Allele frequency attached by ClinVar (database versions not stated): gnomAD 0.00004; TOPMed 0.00010.
gnomAD v4.1: 110 of 1,613,868 alleles (0.0068%); highest among the groups gnomAD compares: South Asian, 0.061%; no homozygotes.

Submissions (5):

Labcorp Genetics (formerly Invitae), Labcorp
Classification: Likely benign for Alagille syndrome due to a JAG1 point mutation. Last evaluated: 2025-06-01. Review status: criteria provided, single submitter. Criteria: Invitae Variant Classification Sherloc (09022015). Collection method: clinical testing. Allele origin: germline.

Blueprint Genetics
Classification: Likely benign. Last evaluated: 2024-11-28. Review status: criteria provided, single submitter. Criteria: ACMG Guidelines, 2015. Collection method: clinical testing. Allele origin: germline.

Ambry Genetics
Classification: Likely benign for Cardiovascular phenotype. Last evaluated: 2022-11-27. Review status: criteria provided, single submitter. Criteria: Ambry Variant Classification Scheme 2023. Collection method: clinical testing. Allele origin: germline.

Illumina Laboratory Services, Illumina
Classification: Benign for Isolated Nonsyndromic Congenital Heart Disease. Last evaluated: 2018-01-13. Review status: criteria provided, single submitter. Criteria: ICSL Variant Classification Criteria 13 December 2019. Collection method: clinical testing. Allele origin: germline.
Comment: This variant was observed in the ICSL laboratory as part of a predisposition screen in an ostensibly healthy population. It had not been previously curated by ICSL or reported in the Human Gene Mutation Database (HGMD: prior to June 1st, 2018), and was therefore a candidate for classification through an automated scoring system. Utilizing variant allele frequency, disease prevalence and penetrance estimates, and inheritance mode, an automated score was calculated to assess if this variant is too frequent to cause the disease. Based on the score and internal cut-off values, a variant classified as benign is not then subjected to further curation. The score for this variant resulted in a classification of benign for this disease.

Eurofins Ntd Llc (ga)
Classification: Uncertain significance. Last evaluated: 2016-06-21. Review status: criteria provided, single submitter. Criteria: EGL Classification Definitions 2015. Collection method: clinical testing. Allele origin: germline. Observed: 1 variant allele, 1 heterozygote.